The following is an entry in ClinVar:

NM_001365536.1(SCN9A):c.1285C>A (p.Arg429Ser)

Genes: SCN9A (sodium voltage-gated channel alpha subunit 9; minus strand), SCN1A-AS1 (SCN1A and SCN9A antisense RNA 1; plus strand). Cytogenetic location: 2q24.3.
Variant type: single nucleotide variant.
Coding change: c.1285C>A on transcript NM_001365536.1 (MANE Select); coding-DNA position 1285, C replaced by A.
Protein change: p.Arg429Ser; replaces arginine 429 with serine.
Molecular consequence: missense variant.
Genome position (GRCh38, 1-based): chr2:166,288,466, G>T on the plus strand (C>A on the coding strand, the complement: SCN9A is on the minus strand). VCF-style: chr2-166288466-G-T. GRCh37 (hg19) VCF-style: chr2-167144976-G-T.
Other names: c.1285C>A, p.Arg429Ser (NM_002977.4); short protein forms R429S.
Identifiers: ClinVar variation 1020342 (VCV001020342.9), dbSNP rs763256222, ClinGen allele CA349085702.

ClinVar aggregate classification (germline): Uncertain significance (1 of 4 stars; one submission).

Conditions:
Neuropathy, hereditary sensory and autonomic, type 2A (HSAN2A). Also called: HSAN IIA; ACROOSTEOLYSIS, GIACCAI TYPE; ACROOSTEOLYSIS, NEUROGENIC; MORVAN DISEASE; NEUROPATHY, CONGENITAL SENSORY; NEUROPATHY, HEREDITARY SENSORY RADICULAR, AUTOSOMAL RECESSIVE. Identifiers: Orphanet 970, MedGen C2752089, MONDO:0024309, OMIM 201300.
Generalized epilepsy with febrile seizures plus, type 7 (GEFSP7). Also called: GEFS+, TYPE 7. Identifiers: Orphanet 36387, MedGen C2751778, MONDO:0013470, OMIM 613863.

Submission:

Labcorp Genetics (formerly Invitae), Labcorp
Classification: Uncertain significance for Neuropathy, hereditary sensory and autonomic, type 2A; Generalized epilepsy with febrile seizures plus, type 7. Last evaluated: 2022-07-24. Review status: criteria provided, single submitter. Criteria: Invitae Variant Classification Sherloc (09022015). Collection method: clinical testing. Allele origin: germline.
Comment: In summary, the available evidence is currently insufficient to determine the role of this variant in disease. Therefore, it has been classified as a Variant of Uncertain Significance. Algorithms developed to predict the effect of missense changes on protein structure and function are either unavailable or do not agree on the potential impact of this missense change (SIFT: "Deleterious"; PolyPhen-2: "Benign"; Align-GVGD: "Class C0"). ClinVar contains an entry for this variant (Variation ID: 1020342). This variant has not been reported in the literature in individuals affected with SCN9A-related conditions. This variant is not present in population databases (gnomAD no frequency). This sequence change replaces arginine, which is basic and polar, with serine, which is neutral and polar, at codon 429 of the SCN9A protein (p.Arg429Ser).